The following is an entry in ClinVar:

NM_001379291.1(BRD4):c.2668G>A (p.Val890Met)

Gene: BRD4 (bromodomain containing 4; minus strand). Cytogenetic location: 19p13.12.
Variant type: single nucleotide variant.
Coding change: c.2668G>A on transcript NM_001379291.1 (MANE Select); coding-DNA position 2668, G replaced by A.
Protein change: p.Val890Met; replaces valine 890 with methionine.
Molecular consequence: missense variant.
Genome position (GRCh38, 1-based): chr19:15,243,401, C>T on the plus strand (G>A on the coding strand, the complement: BRD4 is on the minus strand). VCF-style: chr19-15243401-C-T. GRCh37 (hg19) VCF-style: chr19-15354212-C-T.
Other names: c.2668G>A, p.Val890Met (NM_058243.3); short protein forms V890M.
Identifiers: ClinVar variation 2413310 (VCV002413310.6), dbSNP rs201423321, ClinGen allele CA9264894.

ClinVar aggregate classification (germline): Uncertain significance (1 of 4 stars; one submission).

Allele frequency attached by ClinVar (database versions not stated): gnomAD exomes 0.00002; TOPMed 0.00004; gnomAD 0.00006; ExAC 0.00008; ESP Exome Variant Server 0.00008.
gnomAD v4.1: 44 of 1,501,332 alleles (0.0029%); highest among the groups gnomAD compares: Non-Finnish European, 0.0034%; no homozygotes.

Submission:

Labcorp Genetics (formerly Invitae), Labcorp
Classification: Uncertain significance. Last evaluated: 2025-01-30. Review status: criteria provided, single submitter. Criteria: Invitae Variant Classification Sherloc (09022015). Collection method: clinical testing. Allele origin: germline.
Comment: This sequence change replaces valine, which is neutral and non-polar, with methionine, which is neutral and non-polar, at codon 890 of the BRD4 protein (p.Val890Met). This variant is present in population databases (rs201423321, gnomAD 0.01%). This variant has not been reported in the literature in individuals affected with BRD4-related conditions. ClinVar contains an entry for this variant (Variation ID: 2413310). An algorithm developed to predict the effect of missense changes on protein structure and function (PolyPhen-2) suggests that this variant is likely to be disruptive. In summary, the available evidence is currently insufficient to determine the role of this variant in disease. Therefore, it has been classified as a Variant of Uncertain Significance.